The following is an entry in ClinVar:

ClinVar aggregate classification (germline): Conflicting classifications of pathogenicity. Review status: criteria provided, conflicting classifications (1 of 4 stars). 3 submissions from 3 submitters: Uncertain significance (1); Likely benign (2). Last evaluated 2025-11-01.

Allele frequency attached by ClinVar (database versions not stated): 1000 Genomes Project 30x 0.00016; 1000 Genomes Project 0.00020; ESP Exome Variant Server 0.00145; TOPMed 0.00180.
gnomAD v4.1: 487 of 1,614,012 alleles (0.03%); highest among the groups gnomAD compares: African/African-American, 0.55%; no homozygotes.

Submissions (3):

CeGaT Center for Human Genetics Tuebingen
Classification: Likely benign. Last evaluated: 2025-11-01. Review status: criteria provided, single submitter. Criteria: CeGaT Center For Human Genetics Tuebingen Variant Classification Criteria Version 2. Collection method: clinical testing. Allele origin: germline. Affected: yes. Observed: 1 variant allele.
Comment: TENM4: BS1

Mayo Clinic Laboratories, Mayo Clinic
Classification: Uncertain significance. Last evaluated: 2023-08-24. Review status: criteria provided, single submitter. Criteria: ACMG Guidelines, 2015. Collection method: clinical testing. Allele origin: germline. Observed: 1 variant allele.
Comment: BS2, PP3

Labcorp Genetics (formerly Invitae), Labcorp
Classification: Likely benign. Last evaluated: 2018-02-09. Review status: criteria provided, single submitter. Criteria: Invitae Variant Classification Sherloc (09022015). Collection method: clinical testing. Allele origin: germline.

NM_001098816.3(TENM4):c.4316G>A (p.Arg1439His)

Gene: TENM4 (teneurin transmembrane protein 4; minus strand). Cytogenetic location: 11q14.1.
Variant type: single nucleotide variant.
Coding change: c.4316G>A on transcript NM_001098816.3 (MANE Select); coding-DNA position 4316, G replaced by A.
Protein change: p.Arg1439His; replaces arginine 1439 with histidine.
Molecular consequence: missense variant.
Genome position (GRCh38, 1-based): chr11:78,702,297, C>T on the plus strand (G>A on the coding strand, the complement: TENM4 is on the minus strand). VCF-style: chr11-78702297-C-T. GRCh37 (hg19) VCF-style: chr11-78413342-C-T.
Other names: p.Arg1439His; short protein forms R1439H.
Identifiers: ClinVar variation 722299 (VCV000722299.10), dbSNP rs201076845, ClinGen allele CA6206824.